The following is an entry in ClinVar:

NM_001105206.3(LAMA4):c.2667C>T (p.Asn889=)

Gene: LAMA4 (laminin subunit alpha 4; minus strand). Cytogenetic location: 6q21.
Variant type: single nucleotide variant.
Coding change: c.2667C>T on transcript NM_001105206.3 (MANE Select); coding-DNA position 2667, C replaced by T.
Protein change: p.Asn889=; no amino-acid change (asparagine 889 retained).
Molecular consequence: synonymous variant.
Genome position (GRCh38, 1-based): chr6:112,142,119, G>A on the plus strand (C>T on the coding strand, the complement: LAMA4 is on the minus strand). VCF-style: chr6-112142119-G-A. GRCh37 (hg19) VCF-style: chr6-112463321-G-A.
Other names: c.2646C>T (LRG_433t2); c.2646C>T, p.Asn882= (NM_001105207.3, NM_002290.5).
Identifiers: ClinVar variation 515873 (VCV000515873.17), dbSNP rs112224872, ClinGen allele CA3965421.

ClinVar aggregate classification (germline): Conflicting classifications of pathogenicity. Review status: criteria provided, conflicting classifications (1 of 4 stars). 4 submissions from 4 submitters: Uncertain significance (1); Likely benign (2). 1 of the submissions does not count toward it. Last evaluated 2025-08-08.

Conditions:
Cardiovascular phenotype. Identifiers: MedGen CN230736.
LAMA4-related disorder. Also called: LAMA4-related condition.
Dilated cardiomyopathy 1JJ (CMD1JJ). Identifiers: Orphanet 154, MedGen C3808935, MONDO:0014095, OMIM 615235.

Allele frequency attached by ClinVar (database versions not stated): gnomAD 0.00001; gnomAD exomes 0.00001 and 0.00002; ExAC 0.00002; TOPMed 0.00003; ESP Exome Variant Server 0.00008.
gnomAD v4.1: 14 of 1,613,874 alleles (0.00087%); highest among the groups gnomAD compares: East Asian, 0.0045%; no homozygotes.

Submissions (4):

Labcorp Genetics (formerly Invitae), Labcorp
Classification: Uncertain significance for Dilated cardiomyopathy 1JJ. Last evaluated: 2025-08-08. Review status: criteria provided, single submitter. Criteria: Invitae Variant Classification Sherloc (09022015). Collection method: clinical testing. Allele origin: germline.
Comment: This sequence change affects codon 882 of the LAMA4 mRNA. It is a 'silent' change, meaning that it does not change the encoded amino acid sequence of the LAMA4 protein. It affects a nucleotide within the consensus splice site. This variant is present in population databases (rs112224872, gnomAD 0.006%). This variant has not been reported in the literature in individuals affected with LAMA4-related conditions. ClinVar contains an entry for this variant (Variation ID: 515873). Algorithms developed to predict the effect of sequence changes on RNA splicing suggest that this variant is not likely to affect RNA splicing. In summary, the available evidence is currently insufficient to determine the role of this variant in disease. Therefore, it has been classified as a Variant of Uncertain Significance.

Ambry Genetics
Classification: Likely benign for Cardiovascular phenotype. Last evaluated: 2023-04-19. Review status: criteria provided, single submitter. Criteria: Ambry Variant Classification Scheme 2023. Collection method: clinical testing. Allele origin: germline.

GeneDx
Classification: Likely benign. Last evaluated: 2018-03-07. Review status: criteria provided, single submitter. Criteria: GeneDx Variant Classification (06012015). Collection method: clinical testing. Allele origin: germline. Affected: yes.
Comment: This variant is considered likely benign or benign based on one or more of the following criteria: it is a conservative change, it occurs at a poorly conserved position in the protein, it is predicted to be benign by multiple in silico algorithms, and/or has population frequency not consistent with disease.

PreventionGenetics, part of Exact Sciences
Classification: Likely benign for LAMA4-related condition. Last evaluated: 2021-05-07. Review status: no assertion criteria provided. Collection method: clinical testing. Allele origin: germline. Not counted in ClinVar's aggregate classification.
Comment: This variant is classified as likely benign based on ACMG/AMP sequence variant interpretation guidelines (Richards et al. 2015 PMID: 25741868, with internal and published modifications).